The following is an entry in ClinVar:

NM_000038.6(APC):c.6653A>G (p.Gln2218Arg)

Gene: APC (APC regulator of Wnt signaling pathway; plus strand). Cytogenetic location: 5q22.2.
Variant type: single nucleotide variant.
Coding change: c.6653A>G on transcript NM_000038.6 (MANE Select); coding-DNA position 6653, A replaced by G.
Protein change: p.Gln2218Arg; replaces glutamine 2218 with arginine.
Molecular consequence: missense variant. On other transcripts: non-coding transcript variant (2).
Genome position (GRCh38, 1-based): chr5:112,842,247, A>G. VCF-style: chr5-112842247-A-G. GRCh37 (hg19) VCF-style: chr5-112177944-A-G.
Other names: c.6653A>G, p.Gln2218Arg (NM_001127510.3, NM_001354895.2, NM_001407450.1); c.6599A>G, p.Gln2200Arg (NM_001127511.3); c.6707A>G, p.Gln2236Arg (NM_001354896.2, NM_001407447.1, NM_001407448.1 and 1 more transcripts); c.6683A>G, p.Gln2228Arg (NM_001354897.2); c.6578A>G, p.Gln2193Arg (NM_001354898.2); c.6569A>G, p.Gln2190Arg (NM_001354899.2); c.6530A>G, p.Gln2177Arg (NM_001354900.2); c.6476A>G, p.Gln2159Arg (NM_001354901.2, NM_001407453.1); and 11 more; short protein forms Q2058R, Q2089R, Q2159R, Q2211R, Q2236R, Q2246R, Q1834R, Q2193R.
Identifiers: ClinVar variation 3304226 (VCV003304226.1).

ClinVar aggregate classification (germline): Uncertain significance (1 of 4 stars; one submission).

Conditions:
Hereditary cancer-predisposing syndrome. Also called: Tumor predisposition; Hereditary Cancer Syndrome; Hereditary neoplastic syndrome; Neoplastic Syndromes, Hereditary. Identifiers: Orphanet 140162, MedGen C0027672, MeSH D009386, MONDO:0015356.

Submission:

Ambry Genetics
Classification: Uncertain significance for Hereditary cancer-predisposing syndrome. Last evaluated: 2024-03-21. Review status: criteria provided, single submitter. Criteria: Ambry Variant Classification Scheme 2023. Collection method: clinical testing. Allele origin: germline.
Comment: The p.Q2218R variant (also known as c.6653A>G), located in coding exon 15 of the APC gene, results from an A to G substitution at nucleotide position 6653. The glutamine at codon 2218 is replaced by arginine, an amino acid with highly similar properties. This amino acid position is conserved. In addition, in silico predictors for this gene do not accurately predict pathogenicity. Based on the available evidence, the clinical significance of this alteration remains unclear.